The following is an entry in ClinVar:

NM_172364.5(CACNA2D4):c.1940+5G>A

Gene: CACNA2D4 (calcium voltage-gated channel auxiliary subunit alpha2delta 4; minus strand). Cytogenetic location: 12p13.33.
Variant type: single nucleotide variant.
Coding change: c.1940+5G>A on transcript NM_172364.5 (MANE Select); 5 bases into the intron after coding-DNA position 1940, G replaced by A.
Molecular consequence: intron variant.
Genome position (GRCh38, 1-based): chr12:1,860,140, C>T on the plus strand (G>A on the coding strand, the complement: CACNA2D4 is on the minus strand). VCF-style: chr12-1860140-C-T. GRCh37 (hg19) VCF-style: chr12-1969306-C-T.
Identifiers: ClinVar variation 960776 (VCV000960776.9), dbSNP rs374475309, ClinGen allele CA6386935.
Genomic context (GRCh38, chr12:1,860,140, plus strand): 5'-AAATATGAGTTGCTGGTATTCATGTTCAACCCTCACCCCGTGCAAATAAAGCCTGTGTCC[C>T]TCACCTGAAAGGGGTGTCGCTGATGTCCGTGAAGAAGTAGTCATTGGTCAGGAAAAGAAC-3'

ClinVar aggregate classification (germline): Uncertain significance. Review status: criteria provided, multiple submitters, no conflicts (2 of 4 stars). 3 submissions from 3 submitters: Uncertain significance (2). 1 of the submissions does not count toward it. Last evaluated 2023-04-28.

Conditions:
Retinal dystrophy. Also called: Inherited retinal dystrophy. Identifiers: Orphanet 71862, MedGen C0854723, MeSH D058499, MONDO:0019118, HP:0000556.

Allele frequency attached by ClinVar (database versions not stated): gnomAD exomes below 0.00001 and 0.00001; TOPMed below 0.00001; ExAC 0.00001.
gnomAD v4.1: 7 of 1,611,810 alleles (0.00043%); highest among the groups gnomAD compares: Middle Eastern, 0.017%; no homozygotes.

Submissions (3):

Labcorp Genetics (formerly Invitae), Labcorp
Classification: Uncertain significance. Last evaluated: 2023-04-28. Review status: criteria provided, single submitter. Criteria: Invitae Variant Classification Sherloc (09022015). Collection method: clinical testing. Allele origin: germline.
Comment: In summary, the available evidence is currently insufficient to determine the role of this variant in disease. Therefore, it has been classified as a Variant of Uncertain Significance. Variants that disrupt the consensus splice site are a relatively common cause of aberrant splicing (PMID: 17576681, 9536098). Algorithms developed to predict the effect of sequence changes on RNA splicing suggest that this variant is not likely to affect RNA splicing. ClinVar contains an entry for this variant (Variation ID: 960776). This variant has not been reported in the literature in individuals affected with CACNA2D4-related conditions. This variant is present in population databases (rs374475309, gnomAD 0.002%). This sequence change falls in intron 19 of the CACNA2D4 gene. It does not directly change the encoded amino acid sequence of the CACNA2D4 protein. It affects a nucleotide within the consensus splice site.

Blueprint Genetics
Classification: Uncertain significance. Last evaluated: 2020-05-24. Review status: criteria provided, single submitter. Criteria: ACMG Guidelines, 2015. Collection method: clinical testing. Allele origin: germline.

Institute of Human Genetics, Univ. Regensburg, Univ. Regensburg
Classification: Uncertain significance for Retinal dystrophy. Last evaluated: 2023-01-01. Review status: no assertion criteria provided. Criteria: ACMG Guidelines, 2015. Collection method: clinical testing. Allele origin: germline. Affected: yes. Not counted in ClinVar's aggregate classification.

Literature cited by the submitters: PubMed 17576681 (cited by Labcorp Genetics (formerly Invitae), Labcorp); PubMed 9536098 (cited by Labcorp Genetics (formerly Invitae), Labcorp).